The following is an entry in ClinVar:

NM_019892.6(INPP5E):c.1743G>C (p.Thr581=)

Gene: INPP5E (inositol polyphosphate-5-phosphatase E; minus strand). Cytogenetic location: 9q34.3.
Variant type: single nucleotide variant.
Coding change: c.1743G>C on transcript NM_019892.6 (MANE Select); coding-DNA position 1743, G replaced by C.
Protein change: p.Thr581=; no amino-acid change (threonine 581 retained).
Molecular consequence: synonymous variant.
Genome position (GRCh38, 1-based): chr9:136,430,336, C>G on the plus strand (G>C on the coding strand, the complement: INPP5E is on the minus strand). VCF-style: chr9-136430336-C-G. GRCh37 (hg19) VCF-style: chr9-139324788-C-G.
Other names: c.1740G>C, p.Thr580= (NM_001318502.2); c.1743G>C (NM_019892.5).
Identifiers: ClinVar variation 510557 (VCV000510557.12), dbSNP rs368026621, ClinGen allele CA5336673.

ClinVar aggregate classification (germline): Likely benign. Review status: criteria provided, multiple submitters, no conflicts (2 of 4 stars). 4 submissions from 4 submitters: Likely benign (3). 1 of the submissions does not count toward it. Last evaluated 2025-11-23.

Conditions:
INPP5E-related disorder. Also called: INPP5E-related condition.
Joubert syndrome. Also called: Familial aplasia of the vermis; JOUBERT-BOLTSHAUSER SYNDROME. Identifiers: Orphanet 475, MedGen C5979921, MONDO:0018772.

Allele frequency attached by ClinVar (database versions not stated): TOPMed 0.00006; 1000 Genomes Project 30x 0.00016.
gnomAD v4.1: 152 of 1,553,096 alleles (0.0098%); highest among the groups gnomAD compares: Admixed American, 0.014%; no homozygotes.

Submissions (4):

Labcorp Genetics (formerly Invitae), Labcorp
Classification: Likely benign for Joubert syndrome. Last evaluated: 2025-11-23. Review status: criteria provided, single submitter. Criteria: Invitae Variant Classification Sherloc (09022015). Collection method: clinical testing. Allele origin: germline.

Blueprint Genetics
Classification: Likely benign. Last evaluated: 2023-09-01. Review status: criteria provided, single submitter. Criteria: ACMG Guidelines, 2015. Collection method: clinical testing. Allele origin: germline.

GeneDx
Classification: Likely benign. Last evaluated: 2017-06-28. Review status: criteria provided, single submitter. Criteria: GeneDx Variant Classification (06012015). Collection method: clinical testing. Allele origin: germline. Affected: yes.
Comment: This variant is considered likely benign or benign based on one or more of the following criteria: it is a conservative change, it occurs at a poorly conserved position in the protein, it is predicted to be benign by multiple in silico algorithms, and/or has population frequency not consistent with disease.

PreventionGenetics, part of Exact Sciences
Classification: Likely benign for INPP5E-related condition. Last evaluated: 2019-09-04. Review status: no assertion criteria provided. Collection method: clinical testing. Allele origin: germline. Not counted in ClinVar's aggregate classification.
Comment: This variant is classified as likely benign based on ACMG/AMP sequence variant interpretation guidelines (Richards et al. 2015 PMID: 25741868, with internal and published modifications).